The following is an entry in ClinVar:

ClinVar aggregate classification (germline): Benign/Likely benign. Review status: criteria provided, multiple submitters, no conflicts (2 of 4 stars). 3 submissions from 3 submitters: Benign (1); Likely benign (1). 1 of the submissions does not count toward it. Last evaluated 2026-02-01.

Conditions:
YRDC-related disorder. Also called: YRDC-related condition.

Allele frequency attached by ClinVar (database versions not stated): ESP Exome Variant Server 0.00109; 1000 Genomes Project 30x 0.00297; 1000 Genomes Project 0.00300; TOPMed 0.00516; gnomAD 0.00735.
gnomAD v4.1: 12,206 of 1,454,488 alleles (0.84%); highest among the groups gnomAD compares: Non-Finnish European, 0.9%; 57 homozygotes.

Submissions (3):

CeGaT Center for Human Genetics Tuebingen
Classification: Likely benign. Last evaluated: 2026-02-01. Review status: criteria provided, single submitter. Criteria: CeGaT Center For Human Genetics Tuebingen Variant Classification Criteria Version 2. Collection method: clinical testing. Allele origin: germline. Affected: yes. Observed: 3 variant alleles.
Comment: YRDC: BP4, BP7, BS2

Labcorp Genetics (formerly Invitae), Labcorp
Classification: Benign. Last evaluated: 2026-01-14. Review status: criteria provided, single submitter. Criteria: Invitae Variant Classification Sherloc (09022015). Collection method: clinical testing. Allele origin: germline.

PreventionGenetics, part of Exact Sciences
Classification: Benign for YRDC-related condition. Last evaluated: 2019-11-25. Review status: no assertion criteria provided. Collection method: clinical testing. Allele origin: germline. Not counted in ClinVar's aggregate classification.
Comment: This variant is classified as benign based on ACMG/AMP sequence variant interpretation guidelines (Richards et al. 2015 PMID: 25741868, with internal and published modifications).

NM_024640.4(YRDC):c.9G>C (p.Pro3=)

Genes: C1orf122 (chromosome 1 open reading frame 122; plus strand), YRDC (yrdC N6-threonylcarbamoyltransferase domain containing; minus strand). Cytogenetic location: 1p34.3.
Variant type: single nucleotide variant.
Coding change: c.9G>C on transcript NM_024640.4 (MANE Select); coding-DNA position 9, G replaced by C.
Protein change: p.Pro3=; no amino-acid change (proline 3 retained).
Molecular consequence: synonymous variant. On other transcripts: 5 prime UTR variant (2).
Genome position (GRCh38, 1-based): chr1:37,808,172, C>G on the plus strand (G>C on the coding strand, the complement: YRDC is on the minus strand). VCF-style: chr1-37808172-C-G. GRCh37 (hg19) VCF-style: chr1-38273844-C-G.
Other names: c.-289C>G (NM_001142726.2); c.-233C>G (NM_198446.3).
Identifiers: ClinVar variation 1970922 (VCV001970922.30), dbSNP rs370868306, ClinGen allele CA774879.